The following is an entry in ClinVar:

ClinVar aggregate classification (germline): Uncertain significance (1 of 4 stars; one submission).

Conditions:
Early-infantile DEE. Also called: Ohtahara syndrome; Early infantile epileptic encephalopathy; Early infantile epileptic encephalopathy with suppression bursts. Identifiers: Orphanet 1934, MedGen C0393706, MONDO:0800491.

Allele frequency attached by ClinVar (database versions not stated): gnomAD exomes below 0.00001 and 0.00001; TOPMed below 0.00001; gnomAD 0.00001.
gnomAD v4.1: 10 of 1,613,896 alleles (0.00062%); highest among the groups gnomAD compares: Non-Finnish European, 0.00085%; no homozygotes.

Submission:

Labcorp Genetics (formerly Invitae), Labcorp
Classification: Uncertain significance for Early-infantile DEE. Last evaluated: 2023-05-25. Review status: criteria provided, single submitter. Criteria: Invitae Variant Classification Sherloc (09022015). Collection method: clinical testing. Allele origin: germline.
Comment: In summary, the available evidence is currently insufficient to determine the role of this variant in disease. Therefore, it has been classified as a Variant of Uncertain Significance. Advanced modeling of protein sequence and biophysical properties (such as structural, functional, and spatial information, amino acid conservation, physicochemical variation, residue mobility, and thermodynamic stability) performed at Invitae indicates that this missense variant is not expected to disrupt SCN8A protein function. ClinVar contains an entry for this variant (Variation ID: 1035661). This missense change has been observed in individual(s) with clinical features of SCN8A-related conditions (Invitae). This variant is present in population databases (no rsID available, gnomAD 0.0009%). This sequence change replaces lysine, which is basic and polar, with asparagine, which is neutral and polar, at codon 1006 of the SCN8A protein (p.Lys1006Asn).

NM_001330260.2(SCN8A):c.3018G>C (p.Lys1006Asn)

Gene: SCN8A (sodium voltage-gated channel alpha subunit 8; plus strand). Cytogenetic location: 12q13.13.
Variant type: single nucleotide variant.
Coding change: c.3018G>C on transcript NM_001330260.2 (MANE Select); coding-DNA position 3018, G replaced by C.
Protein change: p.Lys1006Asn; replaces lysine 1006 with asparagine.
Molecular consequence: missense variant.
Genome position (GRCh38, 1-based): chr12:51,768,981, G>C. VCF-style: chr12-51768981-G-C. GRCh37 (hg19) VCF-style: chr12-52162765-G-C.
Other names: c.3018G>C, p.Lys1006Asn (NM_001177984.3, NM_001369788.1, NM_014191.4); short protein forms K1006N.
Identifiers: ClinVar variation 1035661 (VCV001035661.9), dbSNP rs1057317154, ClinGen allele CA236318505.